The following is an entry in ClinVar:

NR_023343.3(RNU4ATAC):n.33C>G

Genes: CLASP1 (cytoplasmic linker associated protein 1; minus strand), CLASP1-AS1 (CLASP1 antisense RNA 1; plus strand), RNU4ATAC (RNA, U4atac small nuclear; plus strand). Cytogenetic location: 2q14.2.
Variant type: single nucleotide variant.
Molecular consequence: non-coding transcript variant (on NR_023343.3). On other transcripts: intron variant (8).
Genome position: GRCh38 VCF-style: chr2-121530912-C-G. GRCh37 (hg19) VCF-style: chr2-122288488-C-G.
Other names: c.196-587G>C (NM_001142274.2, NM_015282.3, NM_001378003.1 and 5 more transcripts).
Identifiers: ClinVar variation 4699372 (VCV004699372.1).

ClinVar aggregate classification (germline): Likely pathogenic (1 of 4 stars; one submission).

gnomAD v4.1: 6 of 699,172 alleles (0.00086%); highest among the groups gnomAD compares: Non-Finnish European, 0.0016%; no homozygotes.

Submission:

Labcorp Genetics (formerly Invitae), Labcorp
Classification: Likely pathogenic. Last evaluated: 2025-09-10. Review status: criteria provided, single submitter. Criteria: Invitae Variant Classification Sherloc (09022015). Collection method: clinical testing. Allele origin: germline.
Comment: This variant occurs in the RNU4ATAC gene, which encodes an RNA molecule that does not result in a protein product. This variant is not present in population databases (gnomAD no frequency). This variant has been observed in individual(s) with clinical features of Roifman syndrome (PMID: 36802443). In at least one individual the data is consistent with being in trans (on the opposite chromosome) from a pathogenic variant. It has also been observed to segregate with disease in related individuals. This variant is located within the 5' stem-loop region of the RNU4ATAC RNA, which includes the 15.5K binding site and is important for spliceosome assembly (PMID: 32628740). A significant number of disease-associated RNU4ATAC variants are found in this region (PMID: 32628740, 30368667). In summary, the currently available evidence indicates that the variant is pathogenic, but additional data are needed to prove that conclusively. Therefore, this variant has been classified as Likely Pathogenic.

Literature cited by the submitters: PubMed 36802443; PubMed 32628740; PubMed 30368667.